The following is an entry in ClinVar:

ClinVar aggregate classification (germline): Uncertain significance (1 of 4 stars; one submission).

Allele frequency attached by ClinVar (database versions not stated): gnomAD exomes below 0.00001.
gnomAD v4.1: 1 of 1,611,998 alleles (0.000062%); highest among the groups gnomAD compares: Non-Finnish European, 0.000085%; no homozygotes.

Submission:

Labcorp Genetics (formerly Invitae), Labcorp
Classification: Uncertain significance. Last evaluated: 2018-03-01. Review status: criteria provided, single submitter. Criteria: Invitae Variant Classification Sherloc (09022015). Collection method: clinical testing. Allele origin: germline.
Comment: This sequence change replaces glutamine with histidine at codon 451 of the CD2AP protein (p.Gln451His). The glutamine residue is weakly conserved and there is a small physicochemical difference between glutamine and histidine. This variant is not present in population databases (ExAC no frequency). This variant has not been reported in the literature in individuals with CD2AP-related disease. Algorithms developed to predict the effect of missense changes on protein structure and function (SIFT, PolyPhen-2, Align-GVGD) all suggest that this variant is likely to be tolerated, but these predictions have not been confirmed by published functional studies and their clinical significance is uncertain. In summary, the available evidence is currently insufficient to determine the role of this variant in disease. Therefore, it has been classified as a Variant of Uncertain Significance.

NM_012120.3(CD2AP):c.1353G>C (p.Gln451His)

Gene: CD2AP (CD2 associated protein; plus strand). Cytogenetic location: 6p12.3.
Variant type: single nucleotide variant.
Coding change: c.1353G>C on transcript NM_012120.3 (MANE Select); coding-DNA position 1353, G replaced by C.
Protein change: p.Gln451His; replaces glutamine 451 with histidine.
Molecular consequence: missense variant.
Genome position (GRCh38, 1-based): chr6:47,599,379, G>C. VCF-style: chr6-47599379-G-C. GRCh37 (hg19) VCF-style: chr6-47567115-G-C.
Other names: short protein forms Q451H.
Identifiers: ClinVar variation 1025057 (VCV001025057.8), dbSNP rs1769049212, ClinGen allele CA363939511.
Genomic context (GRCh38, chr6:47,599,379, plus strand): 5'-TAGCATTTCATCAAAATTTGAAACTGAGCCAGTATCAAAACTAAAGCTAGATTCTGAACA[G>C]CTGCCCCTTAGACCAAAATCAGTAGACTTTGATTCACTTACAGTAAGGACCTCCAAAGAA-3'
Protein context (NP_036252.1, residues 441-461): PVSKLKLDSE[Gln451His]LPLRPKSVDF